The following is an entry in ClinVar:

ClinVar aggregate classification (germline): Pathogenic (1 of 4 stars; one submission).

Conditions:
Hereditary cancer-predisposing syndrome. Also called: Neoplastic Syndromes, Hereditary; Tumor predisposition; Hereditary Cancer Syndrome; Hereditary neoplastic syndrome. Identifiers: Orphanet 140162, MedGen C0027672, MeSH D009386, MONDO:0015356.

Submission:

Ambry Genetics
Classification: Pathogenic for Hereditary cancer-predisposing syndrome. Last evaluated: 2022-06-26. Review status: criteria provided, single submitter. Criteria: Ambry Variant Classification Scheme 2023. Collection method: clinical testing. Allele origin: germline.
Comment: The c.3404_3410delCAAATAT pathogenic mutation, located in coding exon 5 of the MSH6 gene, results from a deletion of 7 nucleotides at nucleotide positions 3404 to 3410, causing a translational frameshift with a predicted alternate stop codon (p.P1135Rfs*8). This alteration is expected to result in loss of function by premature protein truncation or nonsense-mediated mRNA decay. As such, this alteration is interpreted as a disease-causing mutation.

NM_000179.3(MSH6):c.3404_3410del (p.Pro1135fs)

Gene: MSH6 (mutS homolog 6; plus strand). Cytogenetic location: 2p16.3.
Variant type: Deletion.
Coding change: c.3404_3410del on transcript NM_000179.3 (MANE Select); coding-DNA positions 3404 to 3410, 7 bases deleted (CAAATAT; older notation c.3404_3410delCAAATAT).
Protein change: p.Pro1135fs; shifts the reading frame from proline 1135.
Molecular consequence: frameshift variant.
Genome position (GRCh38, 1-based): chr2:47,803,651-47,803,657, CAAATAT deleted. VCF-style (leftmost placement, unchanged base first): chr2-47803650-CCAAATAT-C. GRCh37 (hg19) VCF-style: chr2-48030789-CCAAATAT-C.
Other names: c.3014_3020del, p.Pro1005fs (NM_001281492.2); c.2498_2504del, p.Pro833fs (NM_001281493.2, NM_001281494.2); c.3500_3506delCAAATAT, p.Pro1167Argfs (NM_001406795.1, NM_001406802.1); c.3404_3410delCAAATAT, p.Pro1135Argfs (NM_001406796.1, NM_001406800.1, NM_001406808.1 and 1 more transcripts); c.3107_3113delCAAATAT, p.Pro1036Argfs (NM_001406797.1, NM_001406801.1, NM_001406805.1 and 10 more transcripts); c.3230_3236delCAAATAT, p.Pro1077Argfs (NM_001406798.1); c.2879_2885delCAAATAT, p.Pro960Argfs (NM_001406799.1, NM_001406806.1, NM_001406807.1); c.2540_2546delCAAATAT, p.Pro847Argfs (NM_001406803.1); and 8 more; short protein forms P1005fs, P1135fs, P833fs.
Identifiers: ClinVar variation 1731102 (VCV001731102.2), dbSNP rs2530774697, ClinGen allele CA2580067102.